The following is an entry in ClinVar:

ClinVar aggregate classification (germline): Pathogenic (1 of 4 stars; one submission).

Submission:

Labcorp Genetics (formerly Invitae), Labcorp
Classification: Pathogenic. Last evaluated: 2023-11-25. Review status: criteria provided, single submitter. Criteria: Invitae Variant Classification Sherloc (09022015). Collection method: clinical testing. Allele origin: germline.
Comment: This sequence change creates a premature translational stop signal (p.Gln75Argfs*102) in the HPS6 gene. While this is not anticipated to result in nonsense mediated decay, it is expected to disrupt the last 701 amino acid(s) of the HPS6 protein. This variant is not present in population databases (gnomAD no frequency). This variant has not been reported in the literature in individuals affected with HPS6-related conditions. This variant disrupts a region of the HPS6 protein in which other variant(s) (p.Gln680*) have been determined to be pathogenic (PMID: 27225848, 29054114, 31141302). This suggests that this is a clinically significant region of the protein, and that variants that disrupt it are likely to be disease-causing. For these reasons, this variant has been classified as Pathogenic.

Literature cited by the submitters: PubMed 27225848; PubMed 29054114; PubMed 31141302.

NM_024747.6(HPS6):c.220_223dup (p.Gln75fs)

Genes: HPS6 (HPS6 biogenesis of lysosomal organelles complex 2 subunit 3; plus strand), LOC130004578 (ATAC-STARR-seq lymphoblastoid silent region 2738; plus strand). Cytogenetic location: 10q24.32.
Variant type: Microsatellite.
Coding change: c.220_223dup on transcript NM_024747.6 (MANE Select); coding-DNA positions 220 to 223, 4 bases duplicated (GGCC; older notation c.220_223dupGGCC).
Protein change: p.Gln75fs; shifts the reading frame from glutamine 75.
Molecular consequence: frameshift variant.
Genome position (GRCh38, 1-based): chr10:102,065,694-102,065,697, GGCC duplicated; duplicating any 4 consecutive bases within chr10:102,065,686-102,065,697 gives the same sequence; the c. name uses the placement nearest the transcript's 3' end. VCF-style (leftmost placement, unchanged base first): chr10-102065685-T-TGGCC. GRCh37 (hg19) VCF-style: chr10-103825442-T-TGGCC.
Other names: short protein forms Q75fs.
Identifiers: ClinVar variation 2999374 (VCV002999374.4), dbSNP rs1373031209, ClinGen allele CA595247587.